The following is an entry in ClinVar:

ClinVar aggregate classification (germline): Uncertain significance (1 of 4 stars; one submission).

Conditions:
Inborn genetic diseases. Identifiers: MedGen C0950123, MeSH D030342.

Submission:

Ambry Genetics
Classification: Uncertain significance for Inborn genetic diseases. Last evaluated: 2026-06-12. Review status: criteria provided, single submitter. Criteria: Ambry Variant Classification Scheme 2023. Collection method: clinical testing. Allele origin: germline.
Comment: The p.R121S variant (also known as c.363G>T), located in coding exon 2 of the ERCC6L2 gene, results from a G to T substitution at nucleotide position 363. The arginine at codon 121 is replaced by serine, an amino acid with dissimilar properties. This amino acid position is conserved. In addition, this alteration is predicted to be deleterious by in silico analysis. Based on the available evidence, the clinical significance of this variant remains unclear.

NM_020207.7(ERCC6L2):c.363G>T (p.Arg121Ser)

Gene: ERCC6L2 (ERCC excision repair 6 like 2; plus strand). Cytogenetic location: 9q22.32.
Variant type: single nucleotide variant.
Coding change: c.363G>T on transcript NM_020207.7 (MANE Select); coding-DNA position 363, G replaced by T.
Protein change: p.Arg121Ser; replaces arginine 121 with serine.
Molecular consequence: missense variant. On other transcripts: non-coding transcript variant (1).
Genome position (GRCh38, 1-based): chr9:95,881,185, G>T. VCF-style: chr9-95881185-G-T. GRCh37 (hg19) VCF-style: chr9-98643467-G-T.
Other names: c.363G>T, p.Arg121Ser (NM_001375293.1, NM_001375294.1, NM_001010895.4 and 2 more transcripts); short protein forms R121S.
Identifiers: ClinVar variation 4870630 (VCV004870630.1).